The following is an entry in ClinVar:

NM_000384.3(APOB):c.11696G>A (p.Ser3899Asn)

Gene: APOB (apolipoprotein B; minus strand). Cytogenetic location: 2p24.1.
Variant type: single nucleotide variant.
Coding change: c.11696G>A on transcript NM_000384.3 (MANE Select); coding-DNA position 11696, G replaced by A.
Protein change: p.Ser3899Asn; replaces serine 3899 with asparagine.
Molecular consequence: missense variant.
Genome position (GRCh38, 1-based): chr2:21,005,172, C>T on the plus strand (G>A on the coding strand, the complement: APOB is on the minus strand). VCF-style: chr2-21005172-C-T. GRCh37 (hg19) VCF-style: chr2-21228044-C-T.
Other names: c.11696G>A (NM_000384.2); short protein forms S3899N.
Identifiers: ClinVar variation 2928275 (VCV002928275.4), dbSNP rs774429979, ClinGen allele CA047165.

ClinVar aggregate classification (germline): Uncertain significance. Review status: criteria provided, multiple submitters, no conflicts (2 of 4 stars). 2 submissions from 2 submitters: Uncertain significance (2). Last evaluated 2025-05-08.

Conditions:
Cardiovascular phenotype. Identifiers: MedGen CN230736.
Hypercholesterolemia, autosomal dominant, type B (FHCL2). Also called: APOB-Related Familial Hypercholesterolemia, Autosomal Dominant; Familial Hypercholesterolemia Type B; APOLIPOPROTEIN B-100, FAMILIAL DEFECTIVE; APOLIPOPROTEIN B-100, FAMILIAL LIGAND-DEFECTIVE; HYPERCHOLESTEROLEMIA, FAMILIAL, DUE TO LIGAND-DEFECTIVE APOLIPOPROTEIN B; Hyperlipoproteinemia Type IIb. Identifiers: MedGen C1704417, MONDO:0007751, OMIM 144010.
Familial hypobetalipoproteinemia 1. Also called: Hypobetalipoproteinemia, normotriglyceridemic; Acanthocytosis with hypobetalipoproteinemia; APOB-Related Familial Hypobetalipoproteinemia. Identifiers: MedGen C4551990, MONDO:0014252, OMIM 615558.

Allele frequency attached by ClinVar (database versions not stated): gnomAD exomes below 0.00001; gnomAD 0.00001; ExAC 0.00002.
gnomAD v4.1: 6 of 1,613,940 alleles (0.00037%); highest among the groups gnomAD compares: Non-Finnish European, 0.00051%; no homozygotes.

Submissions (2):

Ambry Genetics
Classification: Uncertain significance for Cardiovascular phenotype. Last evaluated: 2025-05-08. Review status: criteria provided, single submitter. Criteria: Ambry Variant Classification Scheme 2023. Collection method: clinical testing. Allele origin: germline.
Comment: The p.S3899N variant (also known as c.11696G>A), located in coding exon 26 of the APOB gene, results from a G to A substitution at nucleotide position 11696. The serine at codon 3899 is replaced by asparagine, an amino acid with highly similar properties. This amino acid position is conserved. In addition, this alteration is predicted to be tolerated by in silico analysis. Based on the available evidence, the clinical significance of this variant remains unclear.

Labcorp Genetics (formerly Invitae), Labcorp
Classification: Uncertain significance for Familial hypobetalipoproteinemia 1; Hypercholesterolemia, autosomal dominant, type B. Last evaluated: 2025-01-06. Review status: criteria provided, single submitter. Criteria: Invitae Variant Classification Sherloc (09022015). Collection method: clinical testing. Allele origin: germline.
Comment: This sequence change replaces serine, which is neutral and polar, with asparagine, which is neutral and polar, at codon 3899 of the APOB protein (p.Ser3899Asn). This variant is present in population databases (rs774429979, gnomAD 0.002%). This variant has not been reported in the literature in individuals affected with APOB-related conditions. ClinVar contains an entry for this variant (Variation ID: 2928275). Invitae Evidence Modeling of protein sequence and biophysical properties (such as structural, functional, and spatial information, amino acid conservation, physicochemical variation, residue mobility, and thermodynamic stability) indicates that this missense variant is not expected to disrupt APOB protein function with a negative predictive value of 95%. In summary, the available evidence is currently insufficient to determine the role of this variant in disease. Therefore, it has been classified as a Variant of Uncertain Significance.